The following is an entry in ClinVar:

ClinVar aggregate classification (germline): Conflicting classifications of pathogenicity. Review status: criteria provided, conflicting classifications (1 of 4 stars). 4 submissions from 4 submitters: Uncertain significance (3); Likely benign (1). Last evaluated 2025-11-09.

Conditions:
Cardiovascular phenotype. Identifiers: MedGen CN230736.

gnomAD v4.1: 87 of 1,613,916 alleles (0.0054%); highest among the groups gnomAD compares: South Asian, 0.087%; no homozygotes.

Submissions (4):

Labcorp Genetics (formerly Invitae), Labcorp
Classification: Uncertain significance. Last evaluated: 2025-11-09. Review status: criteria provided, single submitter. Criteria: Invitae Variant Classification Sherloc (09022015). Collection method: clinical testing. Allele origin: germline.
Comment: This sequence change replaces aspartic acid, which is acidic and polar, with asparagine, which is neutral and polar, at codon 1560 of the ALPK3 protein (p.Asp1560Asn). This variant is present in population databases (rs780843840, gnomAD 0.08%). This missense change has been observed in individual(s) with clinical features of ALPK3-related conditions (PMID: 30847666). ClinVar contains an entry for this variant (Variation ID: 1742365). Invitae Evidence Modeling of protein sequence and biophysical properties (such as structural, functional, and spatial information, amino acid conservation, physicochemical variation, residue mobility, and thermodynamic stability) indicates that this missense variant is expected to disrupt ALPK3 protein function with a positive predictive value of 80%. In summary, the available evidence is currently insufficient to determine the role of this variant in disease. Therefore, it has been classified as a Variant of Uncertain Significance.

GeneDx
Classification: Uncertain significance. Last evaluated: 2025-08-14. Review status: criteria provided, single submitter. Criteria: GeneDx Variant Classification Process June 2021. Collection method: clinical testing. Allele origin: germline. Affected: yes.
Comment: Identified in a patient with cardiomyopathy in published literature (PMID: 30847666); In silico analysis supports that this missense variant has a deleterious effect on protein structure/function; This variant is associated with the following publications: (PMID: 30847666)

Molecular Diagnostic Laboratory for Inherited Cardiovascular Disease, Montreal Heart Institute
Classification: Uncertain significance for Cardiovascular phenotype. Last evaluated: 2025-04-09. Review status: criteria provided, single submitter. Criteria: ACMG Guidelines, 2015. Collection method: clinical testing. Allele origin: germline. Affected: yes.

Ambry Genetics
Classification: Likely benign for Cardiovascular phenotype. Last evaluated: 2024-04-04. Review status: criteria provided, single submitter. Criteria: Ambry Variant Classification Scheme 2023. Collection method: clinical testing. Allele origin: germline.

Literature cited by the submitters: PubMed 30847666 (cited by Labcorp Genetics (formerly Invitae), Labcorp and Ambry Genetics).

NM_020778.5(ALPK3):c.4072G>A (p.Asp1358Asn)

Gene: ALPK3 (alpha kinase 3; plus strand). Cytogenetic location: 15q25.3.
Variant type: single nucleotide variant.
Coding change: c.4072G>A on transcript NM_020778.5 (MANE Select); coding-DNA position 4072, G replaced by A.
Protein change: p.Asp1358Asn; replaces aspartic acid 1358 with asparagine.
Molecular consequence: missense variant.
Genome position (GRCh38, 1-based): chr15:84,859,882, G>A. VCF-style: chr15-84859882-G-A. GRCh37 (hg19) VCF-style: chr15-85403113-G-A.
Other names: short protein forms D1358N.
Identifiers: ClinVar variation 1742365 (VCV001742365.10), dbSNP rs780843840, ClinGen allele CA7709826.